The following is an entry in ClinVar:

ClinVar aggregate classification (germline): Uncertain significance (1 of 4 stars; one submission).

Submission:

Labcorp Genetics (formerly Invitae), Labcorp
Classification: Uncertain significance. Last evaluated: 2022-09-27. Review status: criteria provided, single submitter. Criteria: Invitae Variant Classification Sherloc (09022015). Collection method: clinical testing. Allele origin: germline.
Comment: In summary, the available evidence is currently insufficient to determine the role of this variant in disease. Therefore, it has been classified as a Variant of Uncertain Significance. Algorithms developed to predict the effect of missense changes on protein structure and function (SIFT, PolyPhen-2, Align-GVGD) all suggest that this variant is likely to be disruptive. This variant has not been reported in the literature in individuals affected with EFEMP1-related conditions. This sequence change replaces aspartic acid, which is acidic and polar, with glutamic acid, which is acidic and polar, at codon 214 of the EFEMP1 protein (p.Asp214Glu). This variant is not present in population databases (gnomAD no frequency).

NM_001039348.3(EFEMP1):c.642C>A (p.Asp214Glu)

Gene: EFEMP1 (EGF-like fibulin extracellular matrix protein 1; minus strand). Cytogenetic location: 2p16.1.
Variant type: single nucleotide variant.
Coding change: c.642C>A on transcript NM_001039348.3 (MANE Select); coding-DNA position 642, C replaced by A.
Protein change: p.Asp214Glu; replaces aspartic acid 214 with glutamic acid.
Molecular consequence: missense variant.
Genome position (GRCh38, 1-based): chr2:55,877,864, G>T on the plus strand (C>A on the coding strand, the complement: EFEMP1 is on the minus strand). VCF-style: chr2-55877864-G-T. GRCh37 (hg19) VCF-style: chr2-56104999-G-T.
Other names: c.642C>A, p.Asp214Glu (NM_001039349.3); short protein forms D214E.
Identifiers: ClinVar variation 2129930 (VCV002129930.4), dbSNP rs2465752752, ClinGen allele CA347029415.